The following is an entry in ClinVar:

NM_000206.3(IL2RG):c.643G>A (p.Gly215Arg)

Gene: IL2RG (interleukin 2 receptor subunit gamma; minus strand). Cytogenetic location: Xq13.1.
Variant type: single nucleotide variant.
Coding change: c.643G>A on transcript NM_000206.3 (MANE Select); coding-DNA position 643, G replaced by A.
Protein change: p.Gly215Arg; replaces glycine 215 with arginine.
Molecular consequence: missense variant.
Genome position (GRCh38, 1-based): chrX:71,109,342, C>T on the plus strand (G>A on the coding strand, the complement: IL2RG is on the minus strand). VCF-style: chrX-71109342-C-T. GRCh37 (hg19) VCF-style: chrX-70329192-C-T.
Other names: c.643G>A, p.Gly215Arg (NM_001438870.1); short protein forms G215R.
Identifiers: ClinVar variation 4704806 (VCV004704806.1).

ClinVar aggregate classification (germline): Uncertain significance (1 of 4 stars; one submission).

Conditions:
X-linked severe combined immunodeficiency (SCIDX1). Also called: IMMUNODEFICIENCY 4; SCID, X-LINKED; SEVERE COMBINED IMMUNODEFICIENCY, X-LINKED, T CELL-NEGATIVE, B CELL-POSITIVE, NK CELL-NEGATIVE; X-Linked Combined Immunodeficiency Diseases; T-B+ severe combined immunodeficiency due to gamma chain deficiency. Identifiers: Orphanet 276, MedGen C6022468, MONDO:0010315, OMIM 300400. Disease mechanism: loss of function.

gnomAD v4.1: 1 of 1,210,437 alleles (0.000083%); highest among the groups gnomAD compares: African/African-American, 0.0017%; no homozygotes.

Submission:

Labcorp Genetics (formerly Invitae), Labcorp
Classification: Uncertain significance for X-linked severe combined immunodeficiency. Last evaluated: 2025-09-28. Review status: criteria provided, single submitter. Criteria: Invitae Variant Classification Sherloc (09022015). Collection method: clinical testing. Allele origin: germline.
Comment: This sequence change replaces glycine, which is neutral and non-polar, with arginine, which is basic and polar, at codon 215 of the IL2RG protein (p.Gly215Arg). This variant is not present in population databases (gnomAD no frequency). This variant has not been reported in the literature in individuals affected with IL2RG-related conditions. Invitae Evidence Modeling of protein sequence and biophysical properties (such as structural, functional, and spatial information, amino acid conservation, physicochemical variation, residue mobility, and thermodynamic stability) indicates that this missense variant is not expected to disrupt IL2RG protein function with a negative predictive value of 95%. In summary, the available evidence is currently insufficient to determine the role of this variant in disease. Therefore, it has been classified as a Variant of Uncertain Significance.